The following is an entry in ClinVar:

NM_016955.4(SEPSECS):c.74G>T (p.Arg25Leu)

Genes: SEPSECS (Sep (O-phosphoserine) tRNA:Sec (selenocysteine) tRNA synthase; minus strand), LOC129992330 (ATAC-STARR-seq lymphoblastoid silent region 15319; plus strand). Cytogenetic location: 4p15.2.
Variant type: single nucleotide variant.
Coding change: c.74G>T on transcript NM_016955.4 (MANE Select); coding-DNA position 74, G replaced by T.
Protein change: p.Arg25Leu; replaces arginine 25 with leucine.
Molecular consequence: missense variant.
Genome position (GRCh38, 1-based): chr4:25,160,296, C>A on the plus strand (G>T on the coding strand, the complement: SEPSECS is on the minus strand). VCF-style: chr4-25160296-C-A. GRCh37 (hg19) VCF-style: chr4-25161918-C-A.
Other names: short protein forms R25L.
Identifiers: ClinVar variation 1309689 (VCV001309689.3), dbSNP rs564871717, ClinGen allele CA2877573.

ClinVar aggregate classification (germline): Uncertain significance. Review status: criteria provided, multiple submitters, no conflicts (2 of 4 stars). 2 submissions from 2 submitters: Uncertain significance (2). Last evaluated 2025-08-14.

Conditions:
Inborn genetic diseases. Identifiers: MedGen C0950123, MeSH D030342.

Allele frequency attached by ClinVar (database versions not stated): ExAC 0.00007; TOPMed 0.00021; gnomAD 0.00024 and 0.00025; 1000 Genomes Project 0.00080; 1000 Genomes Project 30x 0.00109.
gnomAD v4.1: 58 of 1,551,686 alleles (0.0037%); highest among the groups gnomAD compares: African/African-American, 0.072%; 1 homozygote.

Submissions (2):

Ambry Genetics
Classification: Uncertain significance for Inborn genetic diseases. Last evaluated: 2025-08-14. Review status: criteria provided, single submitter. Criteria: Ambry Variant Classification Scheme 2023. Collection method: clinical testing. Allele origin: germline.

GeneDx
Classification: Uncertain significance. Last evaluated: 2019-09-03. Review status: criteria provided, single submitter. Criteria: GeneDx Variant Classification Process June 2021. Collection method: clinical testing. Allele origin: germline. Affected: yes.
Comment: In silico analysis, which includes protein predictors and evolutionary conservation, supports that this variant does not alter protein structure/function; Has not been previously published as pathogenic or benign to our knowledge